The following is an entry in ClinVar:

NM_000553.6(WRN):c.2264T>A (p.Val755Asp)

Gene: WRN (WRN RecQ like helicase; plus strand). Cytogenetic location: 8p12.
Variant type: single nucleotide variant.
Coding change: c.2264T>A on transcript NM_000553.6 (MANE Select); coding-DNA position 2264, T replaced by A.
Protein change: p.Val755Asp; replaces valine 755 with aspartic acid.
Molecular consequence: missense variant.
Genome position (GRCh38, 1-based): chr8:31,111,790, T>A. VCF-style: chr8-31111790-T-A. GRCh37 (hg19) VCF-style: chr8-30969306-T-A.
Other names: short protein forms V755D.
Identifiers: ClinVar variation 3625695 (VCV003625695.2).

ClinVar aggregate classification (germline): Uncertain significance (1 of 4 stars; one submission).

Conditions:
Werner syndrome (WRN). Identifiers: Orphanet 902, MedGen C0043119, MONDO:0010196, OMIM 277700.

Submission:

Labcorp Genetics (formerly Invitae), Labcorp
Classification: Uncertain significance for Werner syndrome. Last evaluated: 2024-05-02. Review status: criteria provided, single submitter. Criteria: Invitae Variant Classification Sherloc (09022015). Collection method: clinical testing. Allele origin: germline.
Comment: This sequence change replaces valine, which is neutral and non-polar, with aspartic acid, which is acidic and polar, at codon 755 of the WRN protein (p.Val755Asp). This variant is not present in population databases (gnomAD no frequency). This variant has not been reported in the literature in individuals affected with WRN-related conditions. An algorithm developed to predict the effect of missense changes on protein structure and function (PolyPhen-2) suggests that this variant is likely to be tolerated. In summary, the available evidence is currently insufficient to determine the role of this variant in disease. Therefore, it has been classified as a Variant of Uncertain Significance.